The following is an entry in ClinVar:

NM_032444.4(SLX4):c.4972G>A (p.Gly1658Arg)

Gene: SLX4 (SLX4 structure-specific endonuclease subunit; minus strand). Cytogenetic location: 16p13.3.
Variant type: single nucleotide variant.
Coding change: c.4972G>A on transcript NM_032444.4 (MANE Select); coding-DNA position 4972, G replaced by A.
Protein change: p.Gly1658Arg; replaces glycine 1658 with arginine.
Molecular consequence: missense variant.
Genome position (GRCh38, 1-based): chr16:3,583,278, C>T on the plus strand (G>A on the coding strand, the complement: SLX4 is on the minus strand). VCF-style: chr16-3583278-C-T. GRCh37 (hg19) VCF-style: chr16-3633279-C-T.
Other names: c.4972G>A (LRG_503t1); short protein forms G1658R.
Identifiers: ClinVar variation 526337 (VCV000526337.12), dbSNP rs200507644, ClinGen allele CA7865453.

ClinVar aggregate classification (germline): Uncertain significance. Review status: criteria provided, multiple submitters, no conflicts (2 of 4 stars). 2 submissions from 2 submitters: Uncertain significance (2). Last evaluated 2024-08-19.

Conditions:
Fanconi anemia complementation group P. Also called: SLX4-Related Fanconi Anemia. Identifiers: Orphanet 84, MedGen C3469542, MONDO:0013499, OMIM 613951.
Fanconi anemia (FA). Also called: Fanconi's anemia. Identifiers: Orphanet 84, MedGen C0015625, MeSH D005199, MONDO:0019391.

Allele frequency attached by ClinVar (database versions not stated): TOPMed below 0.00001; gnomAD 0.00001; gnomAD exomes 0.00001 and 0.00003; ExAC 0.00002; 1000 Genomes Project 30x 0.00016; 1000 Genomes Project 0.00020.
gnomAD v4.1: 41 of 1,614,190 alleles (0.0025%); highest among the groups gnomAD compares: East Asian, 0.091%; no homozygotes.

Submissions (2):

Labcorp Genetics (formerly Invitae), Labcorp
Classification: Uncertain significance for Fanconi anemia. Last evaluated: 2024-08-19. Review status: criteria provided, single submitter. Criteria: Invitae Variant Classification Sherloc (09022015). Collection method: clinical testing. Allele origin: germline.
Comment: This sequence change replaces glycine, which is neutral and non-polar, with arginine, which is basic and polar, at codon 1658 of the SLX4 protein (p.Gly1658Arg). This variant is present in population databases (rs200507644, gnomAD 0.02%). This variant has not been reported in the literature in individuals affected with SLX4-related conditions. ClinVar contains an entry for this variant (Variation ID: 526337). An algorithm developed to predict the effect of missense changes on protein structure and function (PolyPhen-2) suggests that this variant¬†is likely to be tolerated. In summary, the available evidence is currently insufficient to determine the role of this variant in disease. Therefore, it has been classified as a Variant of Uncertain Significance.

Illumina Laboratory Services, Illumina
Classification: Uncertain significance for Fanconi anemia complementation group P. Last evaluated: 2018-01-13. Review status: criteria provided, single submitter. Criteria: ICSL Variant Classification Criteria 13 December 2019. Collection method: clinical testing. Allele origin: germline.